The following is an entry in ClinVar:

NM_018238.4(AGK):c.101+5C>T

Gene: AGK (acylglycerol kinase; plus strand). Cytogenetic location: 7q34.
Variant type: single nucleotide variant.
Coding change: c.101+5C>T on transcript NM_018238.4 (MANE Select); 5 bases into the intron after coding-DNA position 101, C replaced by T.
Molecular consequence: intron variant.
Genome position (GRCh38, 1-based): chr7:141,555,572, C>T. VCF-style: chr7-141555572-C-T. GRCh37 (hg19) VCF-style: chr7-141255372-C-T.
Other names: c.101+5C>T (NM_001364948.3).
Identifiers: ClinVar variation 136318 (VCV000136318.37), dbSNP rs150421355, ClinGen allele CA289326.

ClinVar aggregate classification (germline): Benign/Likely benign. Review status: criteria provided, multiple submitters, no conflicts (2 of 4 stars). 6 submissions from 6 submitters: Benign (3); Likely benign (2). 1 of the submissions does not count toward it. Last evaluated 2026-03-01.

Conditions:
Sengers syndrome. Also called: MITOCHONDRIAL DNA DEPLETION SYNDROME 10 (CARDIOMYOPATHIC TYPE); Cardiomyopathy and cataract. Identifiers: Orphanet 1369, MedGen C1859317, MONDO:0008922, OMIM 212350.
Cataract 38. Also called: Cataract, autosomal recessive congenital 5; Cataract 38, autosomal recessive. Identifiers: Orphanet 91492, MedGen C3553494, MONDO:0013859, OMIM 614691.
AGK-related disorder. Also called: AGK-related disorders; AGK-related condition. Identifiers: MedGen CN239194.

Allele frequency attached by ClinVar (database versions not stated): gnomAD exomes 0.00026 and 0.00074; ExAC 0.00102; ESP Exome Variant Server 0.00254; 1000 Genomes Project 30x 0.00312; 1000 Genomes Project 0.00319; gnomAD 0.00325 and 0.00346; TOPMed 0.00359.
gnomAD v4.1: 891 of 1,606,982 alleles (0.055%); highest among the groups gnomAD compares: African/African-American, 1.1%; 7 homozygotes.

Submissions (6):

CeGaT Center for Human Genetics Tuebingen
Classification: Likely benign. Last evaluated: 2026-03-01. Review status: criteria provided, single submitter. Criteria: CeGaT Center For Human Genetics Tuebingen Variant Classification Criteria Version 2. Collection method: clinical testing. Allele origin: germline. Affected: yes. Observed: 2 variant alleles.
Comment: AGK: BP4, BS1

Labcorp Genetics (formerly Invitae), Labcorp
Classification: Benign for Sengers syndrome; Cataract 38. Last evaluated: 2026-01-27. Review status: criteria provided, single submitter. Criteria: Invitae Variant Classification Sherloc (09022015). Collection method: clinical testing. Allele origin: germline.

Blueprint Genetics
Classification: Likely benign. Last evaluated: 2024-11-13. Review status: criteria provided, single submitter. Criteria: ACMG Guidelines, 2015. Collection method: clinical testing. Allele origin: germline.

Mayo Clinic Laboratories, Mayo Clinic
Classification: Benign. Last evaluated: 2024-02-29. Review status: criteria provided, single submitter. Criteria: ACMG Guidelines, 2015. Collection method: clinical testing. Allele origin: germline. Observed: 5 variant alleles.
Comment: BS1, BS2, BP4, BP7

GeneDx
Classification: Benign. Last evaluated: 2014-04-17. Review status: criteria provided, single submitter. Criteria: GeneDx Variant Classification (06012015). Collection method: clinical testing. Allele origin: germline. Affected: yes.
Comment: This variant is considered likely benign or benign based on one or more of the following criteria: it is a conservative change, it occurs at a poorly conserved position in the protein, it is predicted to be benign by multiple in silico algorithms, and/or has population frequency not consistent with disease.

PreventionGenetics, part of Exact Sciences
Classification: Benign for AGK-related condition. Last evaluated: 2020-03-20. Review status: no assertion criteria provided. Collection method: clinical testing. Allele origin: germline. Not counted in ClinVar's aggregate classification.
Comment: This variant is classified as benign based on ACMG/AMP sequence variant interpretation guidelines (Richards et al. 2015 PMID: 25741868, with internal and published modifications).